The following is an entry in ClinVar:

NM_001371928.1(AHDC1):c.4232A>G (p.Glu1411Gly)

Gene: AHDC1 (AT-hook DNA binding motif containing 1; minus strand). Cytogenetic location: 1p36.11.
Variant type: single nucleotide variant.
Coding change: c.4232A>G on transcript NM_001371928.1 (MANE Select); coding-DNA position 4232, A replaced by G.
Protein change: p.Glu1411Gly; replaces glutamic acid 1411 with glycine.
Molecular consequence: missense variant.
Genome position (GRCh38, 1-based): chr1:27,547,884, T>C on the plus strand (A>G on the coding strand, the complement: AHDC1 is on the minus strand). VCF-style: chr1-27547884-T-C. GRCh37 (hg19) VCF-style: chr1-27874395-T-C.
Other names: c.4232A>G, p.Glu1411Gly (NM_001029882.3); c.188A>G, p.Glu63Gly (NM_015699.1); short protein forms E1411G, E63G.
Identifiers: ClinVar variation 2877266 (VCV002877266.3), dbSNP rs1044392390, ClinGen allele CA19872036.
Genomic context (GRCh38, chr1:27,547,884, plus strand): 5'-CCCTGGAGTCCATGCTTGAGGGGCTCGCAGGCAGCCAGCTTTGTGGGCGGTGGCCGCAGC[T>C]CTTCCTTGAAGCCCAGTGTAGGCGAGCAGGTGGGCGAGTATGCCTTCTGCAGGCCGGCGT-3'
Protein context (NP_001358857.1, residues 1401-1421): TCSPTLGFKE[Glu1411Gly]LRPPPTKLAA

ClinVar aggregate classification (germline): Uncertain significance (1 of 4 stars; one submission).

Allele frequency attached by ClinVar (database versions not stated): gnomAD 0.00001; gnomAD exomes 0.00001; TOPMed 0.00002.
gnomAD v4.1: 21 of 1,554,526 alleles (0.0014%); highest among the groups gnomAD compares: Non-Finnish European, 0.0014%; no homozygotes.

Submission:

Labcorp Genetics (formerly Invitae), Labcorp
Classification: Uncertain significance. Last evaluated: 2023-05-11. Review status: criteria provided, single submitter. Criteria: Invitae Variant Classification Sherloc (09022015). Collection method: clinical testing. Allele origin: germline.
Comment: This sequence change replaces glutamic acid, which is acidic and polar, with glycine, which is neutral and non-polar, at codon 1411 of the AHDC1 protein (p.Glu1411Gly). This variant is present in population databases (no rsID available, gnomAD 0.002%). This variant has not been reported in the literature in individuals affected with AHDC1-related conditions. An algorithm developed to predict the effect of missense changes on protein structure and function (PolyPhen-2) suggests that this variant is likely to be disruptive. In summary, the available evidence is currently insufficient to determine the role of this variant in disease. Therefore, it has been classified as a Variant of Uncertain Significance.